The following is an entry in ClinVar:

ClinVar aggregate classification (germline): Uncertain significance (1 of 4 stars; one submission).

gnomAD v4.1: 4 of 1,599,556 alleles (0.00025%); highest among the groups gnomAD compares: Non-Finnish European, 0.00034%; no homozygotes.

Submission:

Labcorp Genetics (formerly Invitae), Labcorp
Classification: Uncertain significance. Last evaluated: 2025-04-22. Review status: criteria provided, single submitter. Criteria: Invitae Variant Classification Sherloc (09022015). Collection method: clinical testing. Allele origin: germline.
Comment: This sequence change replaces asparagine, which is neutral and polar, with serine, which is neutral and polar, at codon 1323 of the VCAN protein (p.Asn1323Ser). This variant is present in population databases (rs762506606, gnomAD 0.002%). This variant has not been reported in the literature in individuals affected with VCAN-related conditions. ClinVar contains an entry for this variant (Variation ID: 3625637). An algorithm developed to predict the effect of missense changes on protein structure and function (PolyPhen-2) suggests that this variant is likely to be disruptive. In summary, the available evidence is currently insufficient to determine the role of this variant in disease. Therefore, it has been classified as a Variant of Uncertain Significance.

NM_004385.5(VCAN):c.3968A>G (p.Asn1323Ser)

Gene: VCAN (versican; plus strand). Cytogenetic location: 5q14.3.
Variant type: single nucleotide variant.
Coding change: c.3968A>G on transcript NM_004385.5 (MANE Select); coding-DNA position 3968, A replaced by G.
Protein change: p.Asn1323Ser; replaces asparagine 1323 with serine.
Molecular consequence: missense variant. On other transcripts: intron variant (2).
Genome position (GRCh38, 1-based): chr5:83,522,274, A>G. VCF-style: chr5-83522274-A-G. GRCh37 (hg19) VCF-style: chr5-82818093-A-G.
Other names: c.3968A>G, p.Asn1323Ser (NM_001164098.2); c.1042+9878A>G (NM_001164097.2, NM_001126336.3); short protein forms N1323S.
Identifiers: ClinVar variation 3625637 (VCV003625637.2).